The following is an entry in ClinVar:

NM_000245.4(MET):c.1058C>A (p.Ser353Tyr)

Gene: MET (MET proto-oncogene, receptor tyrosine kinase; plus strand). Cytogenetic location: 7q31.2.
Variant type: single nucleotide variant.
Coding change: c.1058C>A on transcript NM_000245.4 (MANE Select); coding-DNA position 1058, C replaced by A.
Protein change: p.Ser353Tyr; replaces serine 353 with tyrosine.
Molecular consequence: missense variant. On other transcripts: intron variant (1).
Genome position (GRCh38, 1-based): chr7:116,700,142, C>A. VCF-style: chr7-116700142-C-A. GRCh37 (hg19) VCF-style: chr7-116340196-C-A.
Other names: c.1058C>A, p.Ser353Tyr (NM_001127500.3, NM_001324401.3); c.-91+27565C>A (NM_001324402.2); short protein forms S353Y.
Identifiers: ClinVar variation 4686978 (VCV004686978.1).
Genomic context (GRCh38, chr7:116,700,142, plus strand): 5'-TAGGAGCCAGCCTGAATGATGACATTCTTTTCGGGGTGTTCGCACAAAGCAAGCCAGATT[C>A]TGCCGAACCAATGGATCGATCTGCCATGTGTGCATTCCCTATCAAATATGTCAACGACTT-3'
Protein context (NP_000236.2, residues 343-363): FGVFAQSKPD[Ser353Tyr]AEPMDRSAMC

ClinVar aggregate classification (germline): Uncertain significance (1 of 4 stars; one submission).

Submission:

GeneDx
Classification: Uncertain significance. Last evaluated: 2025-07-25. Review status: criteria provided, single submitter. Criteria: GeneDx Variant Classification Process June 2021. Collection method: clinical testing. Allele origin: germline. Affected: yes.
Comment: Not observed at significant frequency in large population cohorts (gnomAD); In silico analysis supports that this missense variant has a deleterious effect on protein structure/function; Has not been previously published as pathogenic or benign to our knowledge